The following is an entry in ClinVar:

ClinVar aggregate classification (germline): Uncertain significance (1 of 4 stars; one submission).

Conditions:
Congenital myasthenic syndrome 8. Also called: MYASTHENIC SYNDROME, CONGENITAL, DUE TO AGRIN DEFICIENCY; Myasthenic syndrome, congenital, 8, with pre- and postsynaptic defects. Identifiers: Orphanet 590, MedGen C3808739, MONDO:0014052, OMIM 615120.

Allele frequency attached by ClinVar (database versions not stated): TOPMed 0.00005; ExAC 0.00008; gnomAD 0.00008; gnomAD exomes 0.00011 and 0.00023; 1000 Genomes Project 30x 0.00016; 1000 Genomes Project 0.00020.
gnomAD v4.1: 339 of 1,613,064 alleles (0.021%); highest among the groups gnomAD compares: Non-Finnish European, 0.027%; no homozygotes.

Submission:

Labcorp Genetics (formerly Invitae), Labcorp
Classification: Uncertain significance for Congenital myasthenic syndrome 8. Last evaluated: 2022-07-19. Review status: criteria provided, single submitter. Criteria: Invitae Variant Classification Sherloc (09022015). Collection method: clinical testing. Allele origin: germline.
Comment: This sequence change replaces glycine, which is neutral and non-polar, with serine, which is neutral and polar, at codon 1642 of the AGRN protein (p.Gly1642Ser). This variant is present in population databases (rs200051701, gnomAD 0.02%). This variant has not been reported in the literature in individuals affected with AGRN-related conditions. ClinVar contains an entry for this variant (Variation ID: 572154). Algorithms developed to predict the effect of missense changes on protein structure and function output the following: SIFT: "Deleterious"; PolyPhen-2: "Probably Damaging"; Align-GVGD: "Class C0". The serine amino acid residue is found in multiple mammalian species, which suggests that this missense change does not adversely affect protein function. Algorithms developed to predict the effect of sequence changes on RNA splicing suggest that this variant may create or strengthen a splice site. In summary, the available evidence is currently insufficient to determine the role of this variant in disease. Therefore, it has been classified as a Variant of Uncertain Significance.

NM_198576.4(AGRN):c.4924G>A (p.Gly1642Ser)

Gene: AGRN (agrin; plus strand). Cytogenetic location: 1p36.33.
Variant type: single nucleotide variant.
Coding change: c.4924G>A on transcript NM_198576.4 (MANE Select); coding-DNA position 4924, G replaced by A.
Protein change: p.Gly1642Ser; replaces glycine 1642 with serine.
Molecular consequence: missense variant.
Genome position (GRCh38, 1-based): chr1:1,050,277, G>A. VCF-style: chr1-1050277-G-A. GRCh37 (hg19) VCF-style: chr1-985657-G-A.
Other names: c.4924G>A, p.Gly1642Ser (NM_001305275.2); c.4609G>A, p.Gly1537Ser (NM_001364727.2); short protein forms G1642S, G1537S.
Identifiers: ClinVar variation 572154 (VCV000572154.6), dbSNP rs200051701, ClinGen allele CA509766.